The following is an entry in ClinVar:

ClinVar aggregate classification (germline): Uncertain significance (1 of 4 stars; one submission).

Submission:

GeneDx
Classification: Uncertain significance. Last evaluated: 2017-05-25. Review status: criteria provided, single submitter. Criteria: GeneDx Variant Classification (06012015). Collection method: clinical testing. Allele origin: germline. Affected: yes.
Comment: The W464R variant in the TTC7A gene has not been reported previously as a pathogenic variant, nor as a benign variant, to our knowledge. The W464R variant is not observed in large population cohorts (Lek et al., 2016; 1000 Genomes Consortium et al., 2015; Exome Variant Server). The W464R variant is a non-conservative amino acid substitution, which is likely to impact secondary protein structure as these residues differ in polarity, charge, size and/or other properties. This substitution occurs at a position that is conserved across species. In silico analysis predicts this variant is probably damaging to the protein structure/function. We interpret W464R as a variant of uncertain significance.

NM_020458.4(TTC7A):c.1390T>A (p.Trp464Arg)

Gene: TTC7A (tetratricopeptide repeat domain 7A; plus strand). Cytogenetic location: 2p21.
Variant type: single nucleotide variant.
Coding change: c.1390T>A on transcript NM_020458.4 (MANE Select); coding-DNA position 1390, T replaced by A.
Protein change: p.Trp464Arg; replaces tryptophan 464 with arginine.
Molecular consequence: missense variant.
Genome position (GRCh38, 1-based): chr2:47,011,433, T>A. VCF-style: chr2-47011433-T-A. GRCh37 (hg19) VCF-style: chr2-47238572-T-A.
Other names: c.1390T>A, p.Trp464Arg (LRG_1323t1, NM_001288951.2); c.1288T>A, p.Trp430Arg (NM_001288953.2); c.328T>A, p.Trp110Arg (NM_001288955.2); short protein forms W430R, W464R, W110R.
Identifiers: ClinVar variation 430414 (VCV000430414.2), dbSNP rs1131691950, ClinGen allele CA346715477.